The following is an entry in ClinVar:

ClinVar aggregate classification (germline): Uncertain significance. Review status: criteria provided, multiple submitters, no conflicts (2 of 4 stars). 3 submissions from 3 submitters: Uncertain significance (3). Last evaluated 2025-07-13.

Conditions:
X-linked immunodeficiency with magnesium defect, Epstein-Barr virus infection and neoplasia. Identifiers: Orphanet 317476, MedGen C3275445, MONDO:0010455, OMIM 300853.
Inborn genetic diseases. Identifiers: MedGen C0950123, MeSH D030342.

gnomAD v4.1: 4 of 1,210,141 alleles (0.00033%); highest among the groups gnomAD compares: Admixed American, 0.0087%; no homozygotes.

Submissions (3):

Labcorp Genetics (formerly Invitae), Labcorp
Classification: Uncertain significance for X-linked immunodeficiency with magnesium defect, Epstein-Barr virus infection and neoplasia. Last evaluated: 2025-07-13. Review status: criteria provided, single submitter. Criteria: Invitae Variant Classification Sherloc (09022015). Collection method: clinical testing. Allele origin: germline.
Comment: This sequence change replaces arginine, which is basic and polar, with serine, which is neutral and polar, at codon 29 of the MAGT1 protein (p.Arg29Ser). This variant is present in population databases (no rsID available, gnomAD 0.008%), including at least one homozygous and/or hemizygous individual. This variant has not been reported in the literature in individuals affected with MAGT1-related conditions. ClinVar contains an entry for this variant (Variation ID: 970093). An algorithm developed to predict the effect of missense changes on protein structure and function (PolyPhen-2) suggests that this variant is likely to be tolerated. In summary, the available evidence is currently insufficient to determine the role of this variant in disease. Therefore, it has been classified as a Variant of Uncertain Significance.

Ambry Genetics
Classification: Uncertain significance for Inborn genetic diseases. Last evaluated: 2025-06-03. Review status: criteria provided, single submitter. Criteria: Ambry Variant Classification Scheme 2023. Collection method: clinical testing. Allele origin: germline.

Mayo Clinic Laboratories, Mayo Clinic
Classification: Uncertain significance. Last evaluated: 2025-03-27. Review status: criteria provided, single submitter. Criteria: ACMG Guidelines, 2015. Collection method: clinical testing. Allele origin: germline. Observed: 1 variant allele.
Comment: BP4_moderate

NM_001367916.1(MAGT1):c.-10A>T

Genes: MAGT1 (magnesium transporter 1; minus strand), LOC130068460 (ATAC-STARR-seq lymphoblastoid active region 29781; plus strand). Cytogenetic location: Xq21.1.
Variant type: single nucleotide variant.
Coding change: c.-10A>T on transcript NM_001367916.1 (MANE Select); 10 bases upstream of the start codon, A replaced by T.
Molecular consequence: 5 prime UTR variant. On other transcripts: missense variant (1).
Genome position (GRCh38, 1-based): chrX:77,895,420, T>A on the plus strand (A>T on the coding strand, the complement: MAGT1 is on the minus strand). VCF-style: chrX-77895420-T-A. GRCh37 (hg19) VCF-style: chrX-77150917-T-A.
Other names: p.Arg29Ser; c.87A>T, p.Arg29Ser (NM_032121.5); short protein forms R29S.
Identifiers: ClinVar variation 970093 (VCV000970093.11), dbSNP rs1171559934, ClinGen allele CA413714404.